The following is an entry in ClinVar:

ClinVar aggregate classification (germline): Benign (1 of 4 stars; one submission).

Conditions:
Congenital isolated adrenocorticotropic hormone deficiency. Also called: ACTH DEFICIENCY, ISOLATED; ACTH deficiency; Adrenocorticotropic hormone deficiency. Identifiers: Orphanet 199296, MedGen C0342388, MONDO:0008720, OMIM 201400, HP:0011748.

Allele frequency attached by ClinVar (database versions not stated): TOPMed 0.00602; 1000 Genomes Project 30x 0.00640; gnomAD exomes 0.00021; gnomAD 0.00524 and 0.00566; 1000 Genomes Project 0.00579.
gnomAD v4.1: 796 of 167,170 alleles (0.48%); highest among the groups gnomAD compares: African/African-American, 1.8%; 13 homozygotes.

Submission:

Illumina Laboratory Services, Illumina
Classification: Benign for Congenital isolated adrenocorticotropic hormone deficiency. Last evaluated: 2018-01-12. Review status: criteria provided, single submitter. Criteria: ICSL Variant Classification Criteria 13 December 2019. Collection method: clinical testing. Allele origin: germline.
Comment: This variant was observed in the ICSL laboratory as part of a predisposition screen in an ostensibly healthy population. It had not been previously curated by ICSL or reported in the Human Gene Mutation Database (HGMD: prior to June 1st, 2018), and was therefore a candidate for classification through an automated scoring system. Utilizing variant allele frequency, disease prevalence and penetrance estimates, and inheritance mode, an automated score was calculated to assess if this variant is too frequent to cause the disease. Based on the score and internal cut-off values, a variant classified as benign is not then subjected to further curation. The score for this variant resulted in a classification of benign for this disease.

NM_005149.3(TBX19):c.*544G>A

Gene: TBX19 (T-box transcription factor 19; plus strand). Cytogenetic location: 1q24.2.
Variant type: single nucleotide variant.
Coding change: c.*544G>A on transcript NM_005149.3 (MANE Select); 544 bases downstream of the stop codon, G replaced by A.
Molecular consequence: 3 prime UTR variant.
Genome position (GRCh38, 1-based): chr1:168,313,546, G>A. VCF-style: chr1-168313546-G-A. GRCh37 (hg19) VCF-style: chr1-168282784-G-A.
Identifiers: ClinVar variation 293492 (VCV000293492.5), dbSNP rs144304383, ClinGen allele CA10608085.